The following is an entry in ClinVar:

ClinVar aggregate classification (germline): Uncertain significance. Review status: criteria provided, multiple submitters, no conflicts (2 of 4 stars). 4 submissions from 4 submitters: Uncertain significance (4). Last evaluated 2026-03-13.

Conditions:
RBP3-related disorder. Also called: RBP3-related condition.

Allele frequency attached by ClinVar (database versions not stated): gnomAD exomes 0.00004 and 0.00005; TOPMed 0.00005; gnomAD 0.00007; ExAC 0.00008; 1000 Genomes Project 30x 0.00016; 1000 Genomes Project 0.00020.
gnomAD v4.1: 78 of 1,612,052 alleles (0.0048%); highest among the groups gnomAD compares: Middle Eastern, 0.066%; no homozygotes.

Submissions (4):

PreventionGenetics, part of Exact Sciences
Classification: Uncertain significance for RBP3-related condition. Last evaluated: 2026-03-13. Review status: criteria provided, single submitter. Criteria: ACMG Guidelines, 2015. Collection method: clinical testing. Allele origin: germline.
Comment: The RBP3 c.1694T>C variant is predicted to result in the amino acid substitution p.Val565Ala. This variant was previously reported in three siblings affected with retinitis pigmentosa; however, the siblings all carried a homozygous nonsense variant in PRCD (Pach et al. 2013. PubMed ID: 23805042). This variant is reported in 0.010% of alleles in individuals of European (Non-Finnish) descent in gnomAD. At this time, the clinical significance of this variant is uncertain due to the absence of conclusive functional and genetic evidence.

Blueprint Genetics
Classification: Uncertain significance. Last evaluated: 2024-02-28. Review status: criteria provided, single submitter. Criteria: ACMG Guidelines, 2015. Collection method: clinical testing. Allele origin: germline.

CeGaT Center for Human Genetics Tuebingen
Classification: Uncertain significance. Last evaluated: 2023-09-01. Review status: criteria provided, single submitter. Criteria: CeGaT Center For Human Genetics Tuebingen Variant Classification Criteria Version 2. Collection method: clinical testing. Allele origin: germline. Affected: yes. Observed: 1 variant allele.
Comment: RBP3: PM2

Labcorp Genetics (formerly Invitae), Labcorp
Classification: Uncertain significance. Last evaluated: 2023-08-10. Review status: criteria provided, single submitter. Criteria: Invitae Variant Classification Sherloc (09022015). Collection method: clinical testing. Allele origin: germline.
Comment: This sequence change replaces valine, which is neutral and non-polar, with alanine, which is neutral and non-polar, at codon 565 of the RBP3 protein (p.Val565Ala). In summary, the available evidence is currently insufficient to determine the role of this variant in disease. Therefore, it has been classified as a Variant of Uncertain Significance. An algorithm developed to predict the effect of missense changes on protein structure and function (PolyPhen-2) suggests that this variant¬†is likely to be tolerated. ClinVar contains an entry for this variant (Variation ID: 1445468). This variant has not been reported in the literature in individuals affected with RBP3-related conditions. This variant is present in population databases (rs200980236, gnomAD 0.01%).

NM_002900.3(RBP3):c.1694T>C (p.Val565Ala)

Gene: RBP3 (retinol binding protein 3; plus strand). Cytogenetic location: 10q11.22.
Variant type: single nucleotide variant.
Coding change: c.1694T>C on transcript NM_002900.3 (MANE Select); coding-DNA position 1694, T replaced by C.
Protein change: p.Val565Ala; replaces valine 565 with alanine.
Molecular consequence: missense variant.
Genome position (GRCh38, 1-based): chr10:47,350,178, T>C. VCF-style: chr10-47350178-T-C. GRCh37 (hg19) VCF-style: chr10-48389184-A-G.
Other names: c.1694T>C (NM_002900.2); short protein forms V565A.
Identifiers: ClinVar variation 1445468 (VCV001445468.33), dbSNP rs200980236, ClinGen allele CA5487461.